The following is an entry in ClinVar:

NM_198578.4(LRRK2):c.2000T>A (p.Val667Glu)

Gene: LRRK2 (leucine rich repeat kinase 2; plus strand). Cytogenetic location: 12q12.
Variant type: single nucleotide variant.
Coding change: c.2000T>A on transcript NM_198578.4 (MANE Select); coding-DNA position 2000, T replaced by A.
Protein change: p.Val667Glu; replaces valine 667 with glutamic acid.
Molecular consequence: missense variant.
Genome position (GRCh38, 1-based): chr12:40,277,946, T>A. VCF-style: chr12-40277946-T-A. GRCh37 (hg19) VCF-style: chr12-40671748-T-A.
Other names: short protein forms V667E.
Identifiers: ClinVar variation 3662971 (VCV003662971.2).

ClinVar aggregate classification (germline): Uncertain significance (1 of 4 stars; one submission).

Conditions:
Autosomal dominant Parkinson disease 8. Also called: LRRK2-Related Parkinson Disease; Parkinson disease 8; Parkinson disease 8, susceptibility to. Identifiers: Orphanet 411602, MedGen C1846862, MONDO:0011764, OMIM 607060.

Submission:

Labcorp Genetics (formerly Invitae), Labcorp
Classification: Uncertain significance for Autosomal dominant Parkinson disease 8. Last evaluated: 2024-12-16. Review status: criteria provided, single submitter. Criteria: Invitae Variant Classification Sherloc (09022015). Collection method: clinical testing. Allele origin: germline.
Comment: This sequence change replaces valine, which is neutral and non-polar, with glutamic acid, which is acidic and polar, at codon 667 of the LRRK2 protein (p.Val667Glu). This variant is not present in population databases (gnomAD no frequency). This variant has not been reported in the literature in individuals affected with LRRK2-related conditions. Invitae Evidence Modeling of protein sequence and biophysical properties (such as structural, functional, and spatial information, amino acid conservation, physicochemical variation, residue mobility, and thermodynamic stability) has been performed for this missense variant. However, the output from this modeling did not meet the statistical confidence thresholds required to predict the impact of this variant on LRRK2 protein function. In summary, the available evidence is currently insufficient to determine the role of this variant in disease. Therefore, it has been classified as a Variant of Uncertain Significance.